The following is an entry in ClinVar:

ClinVar aggregate classification (germline): Likely pathogenic (1 of 4 stars; one submission).

Conditions:
Dystonia 9 (DYT9). Also called: CHOREOATHETOSIS, KINESIGENIC, WITH EPISODIC ATAXIA AND SPASTICITY. Identifiers: Orphanet 53583, MedGen C1832855, MONDO:0010983, OMIM 601042.

Submission:

Unidad de Genómica Garrahan, Hospital de Pediatría Garrahan
Classification: Likely pathogenic for Dystonia 9. Last evaluated: 2025-06-12. Review status: criteria provided, single submitter. Criteria: ACMG Guidelines, 2015. Collection method: clinical testing. Allele origin: de novo. Affected: yes. Observed: 1 variant allele.
Comment: PP2_Supporting, PM2_Moderate, PP3_Moderate, PM6_Moderate, PS4_Supporting, PS3_Supporting

Literature cited by the submitters: PubMed 26193382; PubMed 9335548.

NM_006516.4(SLC2A1):c.428A>G (p.Tyr143Cys)

Gene: SLC2A1 (solute carrier family 2 member 1; minus strand). Cytogenetic location: 1p34.2.
Variant type: single nucleotide variant.
Coding change: c.428A>G on transcript NM_006516.4 (MANE Select); coding-DNA position 428, A replaced by G.
Protein change: p.Tyr143Cys; replaces tyrosine 143 with cysteine.
Molecular consequence: missense variant.
Genome position (GRCh38, 1-based): chr1:42,930,714, T>C on the plus strand (A>G on the coding strand, the complement: SLC2A1 is on the minus strand). VCF-style: chr1-42930714-T-C. GRCh37 (hg19) VCF-style: chr1-43396385-T-C.
Other names: short protein forms Y143C.
Identifiers: ClinVar variation 4057316 (VCV004057316.1).
Genomic context (GRCh38, chr1:42,930,714, plus strand): 5'-CCCAGCTGGTGCAGGGTGCCCAGGGCCCCACGAAGGGCTGTGGGTGACACTTCACCCACA[T>C]ACATGGGCACGAAGCCTGTGGTCAGGCCGCAGTACACACCGATGATGAAGCGGCCCAGGA-3'
Protein context (NP_006507.2, residues 133-153): CGLTTGFVPM[Tyr143Cys]VGEVSPTALR